The following is an entry in ClinVar:

NM_002857.4(PEX19):c.347-24G>A

Gene: PEX19 (peroxisomal biogenesis factor 19; minus strand). Cytogenetic location: 1q23.2.
Variant type: single nucleotide variant.
Coding change: c.347-24G>A on transcript NM_002857.4 (MANE Select); 24 bases into the intron before coding-DNA position 347, G replaced by A.
Molecular consequence: intron variant.
Genome position (GRCh38, 1-based): chr1:160,282,526, C>T on the plus strand (G>A on the coding strand, the complement: PEX19 is on the minus strand). VCF-style: chr1-160282526-C-T. GRCh37 (hg19) VCF-style: chr1-160252316-C-T.
Other names: p.?; c.347-24G>A (NM_001193644.1).
Identifiers: ClinVar variation 4683706 (VCV004683706.1).

ClinVar aggregate classification (germline): Likely benign (1 of 4 stars; one submission).

gnomAD v4.1: 204 of 1,583,290 alleles (0.013%); highest among the groups gnomAD compares: Middle Eastern, 0.22%; 1 homozygote.

Submission:

Mayo Clinic Laboratories, Mayo Clinic
Classification: Likely benign. Last evaluated: 2025-07-15. Review status: criteria provided, single submitter. Criteria: ACMG Guidelines, 2015. Collection method: clinical testing. Allele origin: germline. Observed: 1 variant allele.
Comment: BS1, BP4, BP7